The following is an entry in ClinVar:

NM_152384.3(BBS5):c.682-6T>A

Gene: BBS5 (Bardet-Biedl syndrome 5; plus strand). Cytogenetic location: 2q31.1.
Variant type: single nucleotide variant.
Coding change: c.682-6T>A on transcript NM_152384.3 (MANE Select); 6 bases into the intron before coding-DNA position 682, T replaced by A.
Molecular consequence: intron variant.
Genome position (GRCh38, 1-based): chr2:169,499,480, T>A. VCF-style: chr2-169499480-T-A. GRCh37 (hg19) VCF-style: chr2-170355990-T-A.
Other names: c.682-6T>A (NM_152384.2).
Identifiers: ClinVar variation 2740669 (VCV002740669.4), dbSNP rs759783371, ClinGen allele CA1956300.

ClinVar aggregate classification (germline): Likely benign. Review status: criteria provided, single submitter (1 of 4 stars). 2 submissions from 2 submitters: Likely benign (1). 1 of the submissions does not count toward it. Last evaluated 2023-12-15.

Conditions:
BBS5-related disorder. Also called: BBS5-related condition.
Bardet-Biedl syndrome (BBS). Identifiers: Orphanet 110, MedGen C0752166, MONDO:0015229.

Allele frequency attached by ClinVar (database versions not stated): ExAC 0.00001.
gnomAD v4.1: 3 of 1,612,542 alleles (0.00019%); highest among the groups gnomAD compares: African/African-American, 0.004%; no homozygotes.

Submissions (2):

Labcorp Genetics (formerly Invitae), Labcorp
Classification: Likely benign for Bardet-Biedl syndrome. Last evaluated: 2023-12-15. Review status: criteria provided, single submitter. Criteria: Invitae Variant Classification Sherloc (09022015). Collection method: clinical testing. Allele origin: germline.

PreventionGenetics, part of Exact Sciences
Classification: Likely benign for BBS5-related condition. Last evaluated: 2022-03-08. Review status: no assertion criteria provided. Collection method: clinical testing. Allele origin: germline. Not counted in ClinVar's aggregate classification.
Comment: This variant is classified as likely benign based on ACMG/AMP sequence variant interpretation guidelines (Richards et al. 2015 PMID: 25741868, with internal and published modifications).